The following is an entry in ClinVar:

ClinVar aggregate classification (germline): Uncertain significance (1 of 4 stars; one submission).

Conditions:
Hereditary cancer-predisposing syndrome. Also called: Neoplastic Syndromes, Hereditary; Tumor predisposition; Hereditary Cancer Syndrome; Hereditary neoplastic syndrome. Identifiers: Orphanet 140162, MedGen C0027672, MeSH D009386, MONDO:0015356.

Submission:

Ambry Genetics
Classification: Uncertain significance for Hereditary cancer-predisposing syndrome. Last evaluated: 2020-01-27. Review status: criteria provided, single submitter. Criteria: Ambry Variant Classification Scheme 2023. Collection method: clinical testing. Allele origin: germline.
Comment: The p.W97C variant (also known as c.291G>T), located in coding exon 2 of the MSH6 gene, results from a G to T substitution at nucleotide position 291. The tryptophan at codon 97 is replaced by cysteine, an amino acid with highly dissimilar properties. This amino acid position is highly conserved in available vertebrate species. In addition, this alteration is predicted to be deleterious by in silico analysis. Since supporting evidence is limited at this time, the clinical significance of this alteration remains unclear.

NM_000179.3(MSH6):c.291G>T (p.Trp97Cys)

Gene: MSH6 (mutS homolog 6; plus strand). Cytogenetic location: 2p16.3.
Variant type: single nucleotide variant.
Coding change: c.291G>T on transcript NM_000179.3 (MANE Select); coding-DNA position 291, G replaced by T.
Protein change: p.Trp97Cys; replaces tryptophan 97 with cysteine.
Molecular consequence: missense variant. On other transcripts: 5 prime UTR variant (2), intron variant (1).
Genome position (GRCh38, 1-based): chr2:47,790,957, G>T. VCF-style: chr2-47790957-G-T. GRCh37 (hg19) VCF-style: chr2-48018096-G-T.
Other names: c.-446G>T (NM_001281493.2, NM_001406811.1, NM_001406823.1 and 1 more transcripts); c.-612G>T (NM_001281494.2); c.387G>T, p.Trp129Cys (NM_001406795.1, NM_001406802.1); c.291G>T, p.Trp97Cys (NM_001406796.1, NM_001406798.1, NM_001406800.1 and 6 more transcripts); c.-7G>T (NM_001406797.1, NM_001406801.1, NM_001406805.1 and 10 more transcripts); c.213G>T, p.Trp71Cys (NM_001406804.1); c.-638G>T (NM_001406807.1); c.-293G>T (NM_001406812.1); and 3 more; short protein forms W129C, W41C, W71C, W97C.
Identifiers: ClinVar variation 1797700 (VCV001797700.2), dbSNP rs1572708589, ClinGen allele CA346736652.